The following is an entry in ClinVar:

ClinVar aggregate classification (germline): Uncertain significance (1 of 4 stars; one submission).

Conditions:
Inborn genetic diseases. Identifiers: MedGen C0950123, MeSH D030342.

gnomAD v4.1: 1 of 1,613,522 alleles (0.000062%); highest among the groups gnomAD compares: Non-Finnish European, 0.000085%; no homozygotes.

Submission:

Ambry Genetics
Classification: Uncertain significance for Inborn genetic diseases. Last evaluated: 2025-09-10. Review status: criteria provided, single submitter. Criteria: Ambry Variant Classification Scheme 2023. Collection method: clinical testing. Allele origin: germline.
Comment: The p.E108G variant (also known as c.323A>G), located in coding exon 4 of the FANCG gene, results from an A to G substitution at nucleotide position 323. The glutamic acid at codon 108 is replaced by glycine, an amino acid with similar properties. This amino acid position is conserved. In addition, this alteration is predicted to be tolerated by in silico analysis. Based on the available evidence, the clinical significance of this variant remains unclear.

NM_004629.2(FANCG):c.323A>G (p.Glu108Gly)

Gene: FANCG (FA complementation group G; minus strand). Cytogenetic location: 9p13.3.
Variant type: single nucleotide variant.
Coding change: c.323A>G on transcript NM_004629.2 (MANE Select); coding-DNA position 323, A replaced by G.
Protein change: p.Glu108Gly; replaces glutamic acid 108 with glycine.
Molecular consequence: missense variant.
Genome position (GRCh38, 1-based): chr9:35,078,328, T>C on the plus strand (A>G on the coding strand, the complement: FANCG is on the minus strand). VCF-style: chr9-35078328-T-C. GRCh37 (hg19) VCF-style: chr9-35078325-T-C.
Other names: short protein forms E108G.
Identifiers: ClinVar variation 4254502 (VCV004254502.1).